The following is an entry in ClinVar:

NM_004714.3(DYRK1B):c.960C>G (p.Asp320Glu)

Gene: DYRK1B (dual specificity tyrosine phosphorylation regulated kinase 1B; minus strand). Cytogenetic location: 19q13.2.
Variant type: single nucleotide variant.
Coding change: c.960C>G on transcript NM_004714.3 (MANE Select); coding-DNA position 960, C replaced by G.
Protein change: p.Asp320Glu; replaces aspartic acid 320 with glutamic acid.
Molecular consequence: missense variant.
Genome position (GRCh38, 1-based): chr19:39,827,420, G>C on the plus strand (C>G on the coding strand, the complement: DYRK1B is on the minus strand). VCF-style: chr19-39827420-G-C. GRCh37 (hg19) VCF-style: chr19-40318060-G-C.
Other names: c.960C>G, p.Asp320Glu (NM_006483.3, NM_006484.3); short protein forms D320E.
Identifiers: ClinVar variation 4988109 (VCV004988109.1).
Genomic context (GRCh38, chr19:39,827,420, plus strand): 5'-CGCCTGGTCCAGCATGGCGGCCGGTGGGATGCCCAGCACCTCCACAATGCGGTTCATCTG[G>C]TCGACCTGTGAGCAGGCAGGGGTCAAGGTCATCAGGCCAGCCAGGCTCCACCCCCTCCAC-3'
Protein context (NP_004705.1, residues 310-330): EPLFSGSNEV[Asp320Glu]QMNRIVEVLG

ClinVar aggregate classification (germline): Uncertain significance (1 of 4 stars; one submission).

Conditions:
DYRK1B-related disorder. Also called: DYRK1B-related condition.

gnomAD v4.1: 7 of 1,612,056 alleles (0.00043%); highest among the groups gnomAD compares: South Asian, 0.0011%; no homozygotes.

Submission:

PreventionGenetics, part of Exact Sciences
Classification: Uncertain significance for DYRK1B-related condition. Last evaluated: 2025-05-10. Review status: criteria provided, single submitter. Criteria: ACMG Guidelines, 2015. Collection method: clinical testing. Allele origin: germline.
Comment: The DYRK1B c.960C>G variant is predicted to result in the amino acid substitution p.Asp320Glu. To our knowledge, this variant has not been reported in the literature. This variant is reported in 0.0033% of alleles in individuals of South Asian descent in gnomAD. At this time, the clinical significance of this variant is uncertain due to the absence of conclusive functional and genetic evidence.